The following is an entry in ClinVar:

ClinVar aggregate classification (germline): Uncertain significance (1 of 4 stars; one submission).

Conditions:
Anterior segment dysgenesis 7 (ASGD7). Also called: Anterior segment dysgenesis 7, with sclerocornea; SCLEROCORNEA WITH OTHER OCULAR ANOMALIES. Identifiers: Orphanet 289499, MedGen C3151617, MONDO:0010015, OMIM 269400.

Submission:

Labcorp Genetics (formerly Invitae), Labcorp
Classification: Uncertain significance for Anterior segment dysgenesis 7. Last evaluated: 2022-05-27. Review status: criteria provided, single submitter. Criteria: Invitae Variant Classification Sherloc (09022015). Collection method: clinical testing. Allele origin: germline.
Comment: In summary, the available evidence is currently insufficient to determine the role of this variant in disease. Therefore, it has been classified as a Variant of Uncertain Significance. Algorithms developed to predict the effect of missense changes on protein structure and function (SIFT, PolyPhen-2, Align-GVGD) all suggest that this variant is likely to be tolerated. This variant has not been reported in the literature in individuals affected with PXDN-related conditions. This variant is not present in population databases (gnomAD no frequency). This sequence change replaces isoleucine, which is neutral and non-polar, with valine, which is neutral and non-polar, at codon 1157 of the PXDN protein (p.Ile1157Val).

NM_012293.3(PXDN):c.3469A>G (p.Ile1157Val)

Gene: PXDN (peroxidasin; minus strand). Cytogenetic location: 2p25.3.
Variant type: single nucleotide variant.
Coding change: c.3469A>G on transcript NM_012293.3 (MANE Select); coding-DNA position 3469, A replaced by G.
Protein change: p.Ile1157Val; replaces isoleucine 1157 with valine.
Molecular consequence: missense variant.
Genome position (GRCh38, 1-based): chr2:1,648,311, T>C on the plus strand (A>G on the coding strand, the complement: PXDN is on the minus strand). VCF-style: chr2-1648311-T-C. GRCh37 (hg19) VCF-style: chr2-1652083-T-C.
Other names: short protein forms I1157V.
Identifiers: ClinVar variation 2056794 (VCV002056794.4), dbSNP rs2546897426, ClinGen allele CA345702565.